The following is an entry in ClinVar:

ClinVar aggregate classification (germline): Uncertain significance (1 of 4 stars; one submission).

Submission:

Labcorp Genetics (formerly Invitae), Labcorp
Classification: Uncertain significance. Last evaluated: 2020-03-08. Review status: criteria provided, single submitter. Criteria: Invitae Variant Classification Sherloc (09022015). Collection method: clinical testing. Allele origin: germline.
Comment: In summary, the available evidence is currently insufficient to determine the role of this variant in disease. Therefore, it has been classified as a Variant of Uncertain Significance. Algorithms developed to predict the effect of missense changes on protein structure and function (SIFT, PolyPhen-2, Align-GVGD) all suggest that this variant is likely to be tolerated, but these predictions have not been confirmed by published functional studies and their clinical significance is uncertain. This variant has not been reported in the literature in individuals with HOXB13-related conditions. This variant is not present in population databases (ExAC no frequency). This sequence change replaces proline with serine at codon 124 of the HOXB13 protein (p.Pro124Ser). The proline residue is moderately conserved and there is a moderate physicochemical difference between proline and serine.

NM_006361.6(HOXB13):c.370C>T (p.Pro124Ser)

Gene: HOXB13 (homeobox B13; minus strand). Cytogenetic location: 17q21.32.
Variant type: single nucleotide variant.
Coding change: c.370C>T on transcript NM_006361.6 (MANE Select); coding-DNA position 370, C replaced by T.
Protein change: p.Pro124Ser; replaces proline 124 with serine.
Molecular consequence: missense variant.
Genome position (GRCh38, 1-based): chr17:48,728,224, G>A on the plus strand (C>T on the coding strand, the complement: HOXB13 is on the minus strand). VCF-style: chr17-48728224-G-A. GRCh37 (hg19) VCF-style: chr17-46805586-G-A.
Other names: short protein forms P124S.
Identifiers: ClinVar variation 1044027 (VCV001044027.8), dbSNP rs1597934325, ClinGen allele CA400107602.